The following is an entry in ClinVar:

NM_000136.3(FANCC):c.843+14T>A

Genes: AOPEP (aminopeptidase O (putative); plus strand), FANCC (FA complementation group C; minus strand). Cytogenetic location: 9q22.32.
Variant type: single nucleotide variant.
Coding change: c.843+14T>A on transcript NM_000136.3 (MANE Select); 14 bases into the intron after coding-DNA position 843, T replaced by A.
Molecular consequence: intron variant.
Genome position (GRCh38, 1-based): chr9:95,135,332, A>T on the plus strand (T>A on the coding strand, the complement: FANCC is on the minus strand). VCF-style: chr9-95135332-A-T. GRCh37 (hg19) VCF-style: chr9-97897614-A-T.
Other names: c.843+14T>A (NM_001243743.2, NM_001243744.2).
Identifiers: ClinVar variation 508534 (VCV000508534.1), dbSNP rs1554835055, ClinGen allele CA658797243.

ClinVar aggregate classification (germline): Likely benign (1 of 4 stars; one submission).

Submission:

GeneDx
Classification: Likely benign. Last evaluated: 2017-03-30. Review status: criteria provided, single submitter. Criteria: GeneDx Variant Classification (06012015). Collection method: clinical testing. Allele origin: germline. Affected: yes.
Comment: This variant is considered likely benign or benign based on one or more of the following criteria: it is a conservative change, it occurs at a poorly conserved position in the protein, it is predicted to be benign by multiple in silico algorithms, and/or has population frequency not consistent with disease.